The following is an entry in ClinVar:

ClinVar aggregate classification (germline): Conflicting classifications of pathogenicity. Review status: criteria provided, conflicting classifications (1 of 4 stars). 3 submissions from 3 submitters: Uncertain significance (1); Likely benign (2). Last evaluated 2024-11-22.

Allele frequency attached by ClinVar (database versions not stated): gnomAD exomes 0.00001 and 0.00002; ExAC 0.00002; gnomAD 0.00003 and 0.00004; TOPMed 0.00003.
gnomAD v4.1: 27 of 1,566,082 alleles (0.0017%); highest among the groups gnomAD compares: African/African-American, 0.0056%; no homozygotes.

Submissions (3):

Ambry Genetics
Classification: Likely benign. Last evaluated: 2024-11-22. Review status: criteria provided, single submitter. Criteria: Ambry Variant Classification Scheme 2023. Collection method: clinical testing. Allele origin: germline.

Labcorp Genetics (formerly Invitae), Labcorp
Classification: Likely benign. Last evaluated: 2024-05-26. Review status: criteria provided, single submitter. Criteria: Invitae Variant Classification Sherloc (09022015). Collection method: clinical testing. Allele origin: germline.

GeneDx
Classification: Uncertain significance. Last evaluated: 2023-07-25. Review status: criteria provided, single submitter. Criteria: GeneDx Variant Classification Process June 2021. Collection method: clinical testing. Allele origin: germline. Affected: yes.
Comment: Not observed at significant frequency in large population cohorts (gnomAD); In silico analysis supports that this variant does not alter splicing; Has not been previously published as pathogenic or benign to our knowledge

NM_006947.4(SRP72):c.40C>T (p.Leu14=)

Gene: SRP72 (signal recognition particle 72; plus strand). Cytogenetic location: 4q12.
Variant type: single nucleotide variant.
Coding change: c.40C>T on transcript NM_006947.4 (MANE Select); coding-DNA position 40, C replaced by T.
Protein change: p.Leu14=; no amino-acid change (leucine 14 retained).
Molecular consequence: synonymous variant. On other transcripts: non-coding transcript variant (1).
Genome position (GRCh38, 1-based): chr4:56,467,675, C>T. VCF-style: chr4-56467675-C-T. GRCh37 (hg19) VCF-style: chr4-57333841-C-T.
Other names: c.40C>T, p.Leu14= (NM_001267722.2).
Identifiers: ClinVar variation 1631553 (VCV001631553.11), dbSNP rs779131373, ClinGen allele CA2930942.